The following is an entry in ClinVar:

ClinVar aggregate classification (germline): Benign. Review status: criteria provided, multiple submitters, no conflicts (2 of 4 stars). 3 submissions from 3 submitters: Benign (2). 1 of the submissions does not count toward it. Last evaluated 2019-11-20.

Conditions:
DNAH7-related disorder. Also called: DNAH7-related condition.

Allele frequency attached by ClinVar (database versions not stated): gnomAD exomes 0.13015 and 0.13109; ExAC 0.13432; ESP Exome Variant Server 0.17792; 1000 Genomes Project 30x 0.15568; 1000 Genomes Project 0.15595; gnomAD 0.16802 and 0.17273; TOPMed 0.17675.
gnomAD v4.1: 216,123 of 1,614,048 alleles (13%); highest among the groups gnomAD compares: African/African-American, 27%; 15,671 homozygotes.

Submissions (3):

GeneDx
Classification: Benign. Last evaluated: 2019-11-20. Review status: criteria provided, single submitter. Criteria: GeneDx Variant Classification Process June 2021. Collection method: clinical testing. Allele origin: germline. Affected: yes.

Breakthrough Genomics
Classification: Benign. Review status: criteria provided, single submitter. Criteria: ACMG Guidelines, 2015. Collection method: not provided. Allele origin: germline. Inheritance: Unknown mechanism. Affected: yes.

PreventionGenetics, part of Exact Sciences
Classification: Benign for DNAH7-related condition. Last evaluated: 2024-08-31. Review status: no assertion criteria provided. Collection method: clinical testing. Allele origin: germline. Not counted in ClinVar's aggregate classification.
Comment: This variant is classified as benign based on ACMG/AMP sequence variant interpretation guidelines (Richards et al. 2015 PMID: 25741868, with internal and published modifications).

NM_018897.3(DNAH7):c.2473A>G (p.Lys825Glu)

Gene: DNAH7 (dynein axonemal heavy chain 7; minus strand). Cytogenetic location: 2q32.3.
Variant type: single nucleotide variant.
Coding change: c.2473A>G on transcript NM_018897.3 (MANE Select); coding-DNA position 2473, A replaced by G.
Protein change: p.Lys825Glu; replaces lysine 825 with glutamic acid.
Molecular consequence: missense variant.
Genome position (GRCh38, 1-based): chr2:195,960,678, T>C on the plus strand (A>G on the coding strand, the complement: DNAH7 is on the minus strand). VCF-style: chr2-195960678-T-C. GRCh37 (hg19) VCF-style: chr2-196825402-T-C.
Other names: short protein forms K825E.
Identifiers: ClinVar variation 1225183 (VCV001225183.6), dbSNP rs6719500, ClinGen allele CA2036345.